The following is an entry in ClinVar:

NM_000245.4(MET):c.682T>C (p.Phe228Leu)

Gene: MET (MET proto-oncogene, receptor tyrosine kinase; plus strand). Cytogenetic location: 7q31.2.
Variant type: single nucleotide variant.
Coding change: c.682T>C on transcript NM_000245.4 (MANE Select); coding-DNA position 682, T replaced by C.
Protein change: p.Phe228Leu; replaces phenylalanine 228 with leucine.
Molecular consequence: missense variant. On other transcripts: intron variant (1).
Genome position (GRCh38, 1-based): chr7:116,699,766, T>C. VCF-style: chr7-116699766-T-C. GRCh37 (hg19) VCF-style: chr7-116339820-T-C.
Other names: c.682T>C, p.Phe228Leu (NM_001127500.3, NM_001324401.3); c.-91+27189T>C (NM_001324402.2); short protein forms F228L.
Identifiers: ClinVar variation 524874 (VCV000524874.15), dbSNP rs921083171, ClinGen allele CA164888819.

ClinVar aggregate classification (germline): Uncertain significance. Review status: criteria provided, multiple submitters, no conflicts (2 of 4 stars). 2 submissions from 2 submitters: Uncertain significance (2). Last evaluated 2025-02-14.

Conditions:
Renal cell carcinoma. Identifiers: Orphanet 217071, MedGen C0007134, MeSH D002292, MONDO:0005086, HP:0005584.
Hereditary cancer-predisposing syndrome. Also called: Neoplastic Syndromes, Hereditary; Hereditary neoplastic syndrome; Tumor predisposition; Hereditary Cancer Syndrome. Identifiers: Orphanet 140162, MedGen C0027672, MeSH D009386, MONDO:0015356.

Allele frequency attached by ClinVar (database versions not stated): gnomAD exomes 0.00001 and 0.00002; gnomAD 0.00003.
gnomAD v4.1: 11 of 1,614,098 alleles (0.00068%); highest among the groups gnomAD compares: Non-Finnish European, 0.00042%; no homozygotes.

Submissions (2):

Ambry Genetics
Classification: Uncertain significance for Hereditary cancer-predisposing syndrome. Last evaluated: 2025-02-14. Review status: criteria provided, single submitter. Criteria: Ambry Variant Classification Scheme 2023. Collection method: clinical testing. Allele origin: germline.
Comment: The p.F228L variant (also known as c.682T>C), located in coding exon 1 of the MET gene, results from a T to C substitution at nucleotide position 682. The phenylalanine at codon 228 is replaced by leucine, an amino acid with highly similar properties. This amino acid position is well conserved in available vertebrate species. In addition, this alteration is predicted to be tolerated by in silico analysis. Based on the available evidence, the clinical significance of this variant remains unclear.

Labcorp Genetics (formerly Invitae), Labcorp
Classification: Uncertain significance for Renal cell carcinoma. Last evaluated: 2021-08-12. Review status: criteria provided, single submitter. Criteria: Invitae Variant Classification Sherloc (09022015). Collection method: clinical testing. Allele origin: germline.
Comment: Algorithms developed to predict the effect of missense changes on protein structure and function do not agree on the potential impact of this missense change (SIFT: "Deleterious"; PolyPhen-2: "Probably Damaging"; Align-GVGD: "Class C0"). This variant has not been reported in the literature in individuals with MET-related disease. This variant is not present in population databases (ExAC no frequency). This sequence change replaces phenylalanine with leucine at codon 228 of the MET protein (p.Phe228Leu). The phenylalanine residue is moderately conserved and there is a small physicochemical difference between phenylalanine and leucine. In summary, the available evidence is currently insufficient to determine the role of this variant in disease. Therefore, it has been classified as a Variant of Uncertain Significance.